The following is an entry in ClinVar:

NM_032578.4(MYPN):c.1469C>G (p.Ser490Cys)

Gene: MYPN (myopalladin; plus strand). Cytogenetic location: 10q21.3.
Variant type: single nucleotide variant.
Coding change: c.1469C>G on transcript NM_032578.4 (MANE Select); coding-DNA position 1469, C replaced by G.
Protein change: p.Ser490Cys; replaces serine 490 with cysteine.
Molecular consequence: missense variant. On other transcripts: non-coding transcript variant (1).
Genome position (GRCh38, 1-based): chr10:68,161,738, C>G. VCF-style: chr10-68161738-C-G. GRCh37 (hg19) VCF-style: chr10-69921495-C-G.
Other names: c.1469C>G, p.Ser490Cys (NM_001256267.2); c.587C>G, p.Ser196Cys (NM_001256268.2); short protein forms S196C, S490C.
Identifiers: ClinVar variation 1304711 (VCV001304711.2), dbSNP rs774867879, ClinGen allele CA5522563.

ClinVar aggregate classification (germline): Uncertain significance (1 of 4 stars; one submission).

Allele frequency attached by ClinVar (database versions not stated): gnomAD exomes below 0.00001 and 0.00001; ExAC 0.00002.
gnomAD v4.1: 5 of 1,611,034 alleles (0.00031%); highest among the groups gnomAD compares: South Asian, 0.0033%; no homozygotes.

Submission:

GeneDx
Classification: Uncertain significance. Last evaluated: 2019-04-12. Review status: criteria provided, single submitter. Criteria: GeneDx Variant Classification Process June 2021. Collection method: clinical testing. Allele origin: germline. Affected: yes.
Comment: Not observed at a significant frequency in large population cohorts (Lek et al., 2016); In silico analysis, which includes protein predictors and evolutionary conservation, supports a deleterious effect; Has not been previously published as pathogenic or benign to our knowledge